The following is an entry in ClinVar:

NM_014283.5(SUCO):c.2099G>A (p.Gly700Asp)

Gene: SUCO (SUN domain containing ossification factor; plus strand). Cytogenetic location: 1q24.3.
Variant type: single nucleotide variant.
Coding change: c.2099G>A on transcript NM_014283.5 (MANE Select); coding-DNA position 2099, G replaced by A.
Protein change: p.Gly700Asp; replaces glycine 700 with aspartic acid.
Molecular consequence: missense variant. On other transcripts: intron variant (1).
Genome position (GRCh38, 1-based): chr1:172,589,200, G>A. VCF-style: chr1-172589200-G-A. GRCh37 (hg19) VCF-style: chr1-172558340-G-A.
Other names: c.410G>A, p.Gly137Asp (NM_001282751.2); c.2552G>A, p.Gly851Asp (NM_016227.4); c.1712+276G>A (NM_001282750.2); short protein forms G137D, G700D, G851D.
Identifiers: ClinVar variation 2327598 (VCV002327598.4), dbSNP rs116494412, ClinGen allele CA1247027.

ClinVar aggregate classification (germline): Conflicting classifications of pathogenicity. Review status: criteria provided, conflicting classifications (1 of 4 stars). 2 submissions from 2 submitters: Uncertain significance (1); Likely benign (1). Last evaluated 2024-06-03.

Allele frequency attached by ClinVar (database versions not stated): ExAC 0.00001; gnomAD exomes 0.00001; 1000 Genomes Project 30x 0.00016; 1000 Genomes Project 0.00020.
gnomAD v4.1: 12 of 1,613,996 alleles (0.00074%); highest among the groups gnomAD compares: South Asian, 0.0011%; no homozygotes.

Submissions (2):

Labcorp Genetics (formerly Invitae), Labcorp
Classification: Uncertain significance. Last evaluated: 2024-06-03. Review status: criteria provided, single submitter. Criteria: Invitae Variant Classification Sherloc (09022015). Collection method: clinical testing. Allele origin: germline.
Comment: This sequence change replaces glycine, which is neutral and non-polar, with aspartic acid, which is acidic and polar, at codon 700 of the SUCO protein (p.Gly700Asp). This variant is present in population databases (rs116494412, gnomAD 0.002%). This variant has not been reported in the literature in individuals affected with SUCO-related conditions. ClinVar contains an entry for this variant (Variation ID: 2327598). Algorithms developed to predict the effect of missense changes on protein structure and function output the following: SIFT: "Not Available"; PolyPhen-2: "Benign"; Align-GVGD: "Not Available". The aspartic acid amino acid residue is found in multiple mammalian species, which suggests that this missense change does not adversely affect protein function. In summary, the available evidence is currently insufficient to determine the role of this variant in disease. Therefore, it has been classified as a Variant of Uncertain Significance.

Ambry Genetics
Classification: Likely benign. Last evaluated: 2022-11-18. Review status: criteria provided, single submitter. Criteria: Ambry Variant Classification Scheme 2023. Collection method: clinical testing. Allele origin: germline.